The following is an entry in ClinVar:

NM_025099.6(CTC1):c.1207-4C>T

Gene: CTC1 (CST telomere replication complex component 1; minus strand). Cytogenetic location: 17p13.1.
Variant type: single nucleotide variant.
Coding change: c.1207-4C>T on transcript NM_025099.6 (MANE Select); 4 bases into the intron before coding-DNA position 1207, C replaced by T.
Molecular consequence: intron variant.
Genome position (GRCh38, 1-based): chr17:8,235,289, G>A on the plus strand (C>T on the coding strand, the complement: CTC1 is on the minus strand). VCF-style: chr17-8235289-G-A. GRCh37 (hg19) VCF-style: chr17-8138607-G-A.
Other names: c.1207-4C>T (LRG_1124t1).
Identifiers: ClinVar variation 459589 (VCV000459589.64), dbSNP rs369904656, ClinGen allele CA8372419.

ClinVar aggregate classification (germline): Conflicting classifications of pathogenicity. Review status: criteria provided, conflicting classifications (1 of 4 stars). 9 submissions from 9 submitters: Uncertain significance (4); Likely benign (5). Last evaluated 2026-02-04.

Conditions:
Dyskeratosis congenita. Identifiers: Orphanet 1775, MedGen C0265965, MONDO:0015780.
Cerebroretinal microangiopathy with calcifications and cysts 1 (CRMCC1). Identifiers: Orphanet 313838, MedGen C4552029, MONDO:0024564, OMIM 612199.

Allele frequency attached by ClinVar (database versions not stated): ESP Exome Variant Server 0.00024; gnomAD 0.00031; gnomAD exomes 0.00038; ExAC 0.00041; TOPMed 0.00044.
gnomAD v4.1: 833 of 1,606,484 alleles (0.052%); highest among the groups gnomAD compares: Middle Eastern, 0.12%; 1 homozygote.

Submissions (9):

Labcorp Genetics (formerly Invitae), Labcorp
Classification: Likely benign for Dyskeratosis congenita. Last evaluated: 2026-02-04. Review status: criteria provided, single submitter. Criteria: Invitae Variant Classification Sherloc (09022015). Collection method: clinical testing. Allele origin: germline.

ARUP Laboratories, Molecular Genetics and Genomics, ARUP Laboratories
Classification: Uncertain significance for Cerebroretinal microangiopathy with calcifications and cysts 1. Last evaluated: 2025-04-16. Review status: criteria provided, single submitter. Criteria: ARUP Molecular Germline Variant Investigation Process 2024. Collection method: clinical testing. Allele origin: germline.
Comment: The CTC1 c.1207-4C>T variant (rs369904656, ClinVar Variation ID 459589) is reported in the literature in an individual with common variable immunodeficiency without evidence of causality (Rolles 2023). This variant is found in the general population with an overall allele frequency of 0.04% (103/277190 alleles, including 1 homozygote) in the Genome Aggregation Database (v2.1.1). This is an intronic variant and computational analyses (Alamut Visual Plus v.1.12) predict that this variant does not alter splicing. However, since this variant is located within the minimal splice region, the clinical significance of this variant is uncertain at this time. Based on available information, the clinical significance of this variant is uncertain at this time. References: Rolles B et al. Telomere biology disorders may manifest as common variable immunodeficiency (CVID). Clin Immunol. 2023 Dec. PMID: 37944684.

CeGaT Center for Human Genetics Tuebingen
Classification: Likely benign. Last evaluated: 2025-01-01. Review status: criteria provided, single submitter. Criteria: CeGaT Center For Human Genetics Tuebingen Variant Classification Criteria Version 2. Collection method: clinical testing. Allele origin: germline. Affected: yes. Observed: 2 variant alleles.
Comment: CTC1: BP4

Blueprint Genetics
Classification: Likely benign. Last evaluated: 2024-11-22. Review status: criteria provided, single submitter. Criteria: ACMG Guidelines, 2015. Collection method: clinical testing. Allele origin: germline.

Genome-Nilou Lab
Classification: Uncertain significance for Cerebroretinal microangiopathy with calcifications and cysts 1. Last evaluated: 2021-07-15. Review status: criteria provided, single submitter. Criteria: ACMG Guidelines, 2015. Collection method: clinical testing. Allele origin: germline. Affected: no.

Genetic Services Laboratory, University of Chicago
Classification: Likely benign. Last evaluated: 2021-04-16. Review status: criteria provided, single submitter. Criteria: ACMG Guidelines, 2015. Collection method: clinical testing. Allele origin: germline. Affected: no.

Sema4
Classification: Likely benign for Dyskeratosis congenita. Last evaluated: 2020-10-20. Review status: criteria provided, single submitter. Criteria: Sema4 Curation Guidelines. Collection method: curation. Allele origin: germline.

Baylor Genetics
Classification: Uncertain significance for Cerebroretinal microangiopathy with calcifications and cysts 1. Last evaluated: 2018-01-16. Review status: criteria provided, single submitter. Criteria: ACMG Guidelines, 2015. Collection method: clinical testing. Allele origin: maternal. Affected: yes.
Comment: This variant was determined to be of uncertain significance according to ACMG Guidelines, 2015 [PMID:25741868].

Illumina Laboratory Services, Illumina
Classification: Uncertain significance for Dyskeratosis congenita. Last evaluated: 2017-04-27. Review status: criteria provided, single submitter. Criteria: ICSL Variant Classification Criteria 13 December 2019. Collection method: clinical testing. Allele origin: germline.